The following is an entry in ClinVar:

NM_020975.6(RET):c.2425T>C (p.Tyr809His)

Gene: RET (ret proto-oncogene; plus strand). Cytogenetic location: 10q11.21.
Variant type: single nucleotide variant.
Coding change: c.2425T>C on transcript NM_020975.6 (MANE Select); coding-DNA position 2425, T replaced by C.
Protein change: p.Tyr809His; replaces tyrosine 809 with histidine.
Molecular consequence: missense variant.
Genome position (GRCh38, 1-based): chr10:43,119,563, T>C. VCF-style: chr10-43119563-T-C. GRCh37 (hg19) VCF-style: chr10-43615011-T-C.
Other names: c.2425T>C, p.Tyr809His (NM_000323.2, NM_001406743.1, NM_001406744.1 and 4 more transcripts); c.1663T>C, p.Tyr555His (NM_001355216.2); c.2296T>C, p.Tyr766His (NM_001406761.1, NM_001406762.1, NM_001406764.1); c.2290T>C, p.Tyr764His (NM_001406763.1, NM_001406765.1); c.2137T>C, p.Tyr713His (NM_001406766.1, NM_001406767.1, NM_001406770.1); c.2161T>C, p.Tyr721His (NM_001406768.1); c.2029T>C, p.Tyr677His (NM_001406769.1, NM_001406772.1); c.1987T>C, p.Tyr663His (NM_001406771.1, NM_001406773.1); and 10 more; short protein forms Y374H, Y479H, Y567H, Y634H, Y663H, Y713H, Y721H, Y326H.
Identifiers: ClinVar variation 1791087 (VCV001791087.3), dbSNP rs2132943283, ClinGen allele CA376556107.

ClinVar aggregate classification (germline): Uncertain significance. Review status: criteria provided, multiple submitters, no conflicts (2 of 4 stars). 2 submissions from 2 submitters: Uncertain significance (2). Last evaluated 2025-05-06.

Conditions:
Hereditary cancer-predisposing syndrome. Also called: Hereditary Cancer Syndrome; Hereditary neoplastic syndrome; Tumor predisposition; Neoplastic Syndromes, Hereditary. Identifiers: Orphanet 140162, MedGen C0027672, MeSH D009386, MONDO:0015356.
Multiple endocrine neoplasia, type 2 (MEN2). Identifiers: Orphanet 653, MedGen C4048306, MONDO:0019003. Disease mechanism: gain of function.

Submissions (2):

Labcorp Genetics (formerly Invitae), Labcorp
Classification: Uncertain significance for Multiple endocrine neoplasia, type 2. Last evaluated: 2025-05-06. Review status: criteria provided, single submitter. Criteria: Invitae Variant Classification Sherloc (09022015). Collection method: clinical testing. Allele origin: germline.
Comment: This sequence change replaces tyrosine, which is neutral and polar, with histidine, which is basic and polar, at codon 809 of the RET protein (p.Tyr809His). This variant is not present in population databases (gnomAD no frequency). This variant has not been reported in the literature in individuals affected with RET-related conditions. ClinVar contains an entry for this variant (Variation ID: 1791087). An algorithm developed to predict the effect of missense changes on protein structure and function (PolyPhen-2) suggests that this variant is likely to be tolerated. In summary, the available evidence is currently insufficient to determine the role of this variant in disease. Therefore, it has been classified as a Variant of Uncertain Significance.

Ambry Genetics
Classification: Uncertain significance for Hereditary cancer-predisposing syndrome. Last evaluated: 2022-06-27. Review status: criteria provided, single submitter. Criteria: Ambry Variant Classification Scheme 2023. Collection method: clinical testing. Allele origin: germline.
Comment: The p.Y809H variant (also known as c.2425T>C), located in coding exon 14 of the RET gene, results from a T to C substitution at nucleotide position 2425. The tyrosine at codon 809 is replaced by histidine, an amino acid with similar properties. This amino acid position is conserved. In addition, the in silico prediction for this alteration is inconclusive. Since supporting evidence is limited at this time, the clinical significance of this alteration remains unclear.